The following is an entry in ClinVar:

NM_001110556.2(FLNA):c.473A>G (p.Glu158Gly)

Gene: FLNA (filamin A; minus strand). Cytogenetic location: Xq28.
Variant type: single nucleotide variant.
Coding change: c.473A>G on transcript NM_001110556.2 (MANE Select); coding-DNA position 473, A replaced by G.
Protein change: p.Glu158Gly; replaces glutamic acid 158 with glycine.
Molecular consequence: missense variant.
Genome position (GRCh38, 1-based): chrX:154,367,991, T>C on the plus strand (A>G on the coding strand, the complement: FLNA is on the minus strand). VCF-style: chrX-154367991-T-C. GRCh37 (hg19) VCF-style: chrX-153596359-T-C.
Other names: c.473A>G, p.Glu158Gly (NM_001456.4); short protein forms E158G.
Identifiers: ClinVar variation 1059460 (VCV001059460.9), dbSNP rs2148119426, ClinGen allele CA415250253.
Genomic context (GRCh38, chrX:154,367,991, plus strand): 5'-TTCTGGATCCAGCCCAGGAGCCTCTGCTTGGGGGTCTGCTTCTTGGCCTCCTCATCCTCC[T>C]CCTCGTCCCACATGGGCATGGAGATGGAGTAGTGCAGGATCAGGGTCCAGATGAGGCCCA-3'
Protein context (NP_001104026.1, residues 148-168): YSISMPMWDE[Glu158Gly]EDEEAKKQTP

ClinVar aggregate classification (germline): Uncertain significance (1 of 4 stars; one submission).

Conditions:
Heterotopia, periventricular, X-linked dominant (PVNH1). Also called: PERIVENTRICULAR NODULAR HETEROTOPIA 1; X-linked periventricular heterotopia; PERIVENTRICULAR NODULAR HETEROTOPIA 4; HETEROTOPIA, PERIVENTRICULAR, 1. Identifiers: Orphanet 2149, Orphanet 82004, MedGen C1848213, MONDO:0010233, OMIM 300049.
Melnick-Needles syndrome (MNS). Also called: MELNICK-NEEDLES OSTEODYSPLASTY; OSTEODYSPLASTY OF MELNICK AND NEEDLES; Melnick-Needles Syndrome (FLNA-MNS). Identifiers: Orphanet 2484, MedGen C0025237, MONDO:0010650, OMIM 309350.
Frontometaphyseal dysplasia (FMD1). Identifiers: Orphanet 1826, MedGen C0265293, MONDO:0015942.
Oto-palato-digital syndrome, type II (OPD2). Also called: OPD II SYNDROME; FACIOPALATOOSSEOUS SYNDROME; Otopalatodigital Syndrome Type 2 (FLNA-OPD2); Otopalatodigital Syndrome, Type II. Identifiers: Orphanet 669, Orphanet 90652, MedGen C1844696, MONDO:0010571, OMIM 304120.

Submission:

Labcorp Genetics (formerly Invitae), Labcorp
Classification: Uncertain significance for Oto-palato-digital syndrome, type II; Heterotopia, periventricular, X-linked dominant; Frontometaphyseal dysplasia; Melnick-Needles syndrome. Last evaluated: 2022-08-22. Review status: criteria provided, single submitter. Criteria: Invitae Variant Classification Sherloc (09022015). Collection method: clinical testing. Allele origin: germline.
Comment: ClinVar contains an entry for this variant (Variation ID: 1059460). In summary, the available evidence is currently insufficient to determine the role of this variant in disease. Therefore, it has been classified as a Variant of Uncertain Significance. Advanced modeling of protein sequence and biophysical properties (such as structural, functional, and spatial information, amino acid conservation, physicochemical variation, residue mobility, and thermodynamic stability) performed at Invitae indicates that this missense variant is not expected to disrupt FLNA protein function. This missense change has been observed in individual(s) with intracranial vertebral–basilar artery dissection (PMID: 30115950). This variant is not present in population databases (gnomAD no frequency). This sequence change replaces glutamic acid, which is acidic and polar, with glycine, which is neutral and non-polar, at codon 158 of the FLNA protein (p.Glu158Gly).

Literature cited by the submitters: PubMed 30115950.